The following is an entry in ClinVar:

ClinVar aggregate classification (germline): Uncertain significance (1 of 4 stars; one submission).

Conditions:
Breast-ovarian cancer, familial, susceptibility to, 1 (BROVCA1). Also called: BRCA1 Hereditary Breast and Ovarian Cancer; OVARIAN CANCER, SUSCEPTIBILITY TO. Identifiers: Orphanet 145, MedGen C2676676, MONDO:0011450, OMIM 604370. Disease mechanism: loss of function.

Submission:

All of Us Research Program, National Institutes of Health
Classification: Uncertain significance for Breast-ovarian cancer, familial, susceptibility to, 1. Last evaluated: 2023-04-27. Review status: criteria provided, single submitter. Criteria: ACMG Guidelines, 2015. Collection method: clinical testing. Allele origin: germline. Inheritance: Autosomal dominant inheritance. Observed: 1 variant allele, 1 heterozygote.
Comment: This study involves interpretation of variants in research participants for the purpose of population health screening. Participant phenotype was not available at the time of variant classification. Additional details can be found in publication PMID: 35346344, PMCID: PMC8962531

NM_007294.4(BRCA1):c.755G>T (p.Arg252Leu)

Gene: BRCA1 (BRCA1 DNA repair associated; minus strand). Cytogenetic location: 17q21.31.
Variant type: single nucleotide variant.
Coding change: c.755G>T on transcript NM_007294.4 (MANE Select); coding-DNA position 755, G replaced by T.
Protein change: p.Arg252Leu; replaces arginine 252 with leucine.
Molecular consequence: missense variant. On other transcripts: intron variant (13), 5 prime UTR variant (2).
Genome position (GRCh38, 1-based): chr17:43,094,776, C>A on the plus strand (G>T on the coding strand, the complement: BRCA1 is on the minus strand). VCF-style: chr17-43094776-C-A. GRCh37 (hg19) VCF-style: chr17-41246793-C-A.
Other names: c.755G>T, p.Arg252Leu (NM_001407684.1, NM_001407581.1, NM_001407582.1 and 54 more transcripts); c.629G>T, p.Arg210Leu (NM_001407685.1, NM_001408445.1, NM_001408446.1 and 20 more transcripts); c.614G>T, p.Arg205Leu (NM_001407697.1, NM_001407698.1, NM_001407724.1 and 43 more transcripts); c.611G>T, p.Arg204Leu (NM_001407741.1, NM_001407742.1, NM_001407743.1 and 26 more transcripts); c.542G>T, p.Arg181Leu (NM_001407571.1, NM_001407853.1, NM_001407894.1 and 12 more transcripts); c.752G>T, p.Arg251Leu (NM_001407587.1, NM_001407590.1, NM_001407591.1 and 38 more transcripts); c.677G>T, p.Arg226Leu (NM_001407658.1, NM_001407663.1, NM_001408415.1 and 9 more transcripts); c.674G>T, p.Arg225Leu (NM_001407659.1, NM_001407660.1, NM_001407661.1 and 3 more transcripts); and 20 more; short protein forms R124L, R125L, R140L, R141L, R163L, R164L, R181L, R182L.
Identifiers: ClinVar variation 3070606 (VCV003070606.1), dbSNP rs80357138, ClinGen allele CA10600571.